The following is an entry in ClinVar:

ClinVar aggregate classification (germline): Uncertain significance (1 of 4 stars; one submission).

Conditions:
Perlman syndrome (PRLMNS). Identifiers: Orphanet 2849, MedGen C0796113, MONDO:0009965, OMIM 267000.

Allele frequency attached by ClinVar (database versions not stated): gnomAD exomes below 0.00001.
gnomAD v4.1: 2 of 1,601,240 alleles (0.00012%); highest among the groups gnomAD compares: Non-Finnish European, 0.00017%; no homozygotes.

Submission:

Labcorp Genetics (formerly Invitae), Labcorp
Classification: Uncertain significance for Perlman syndrome. Last evaluated: 2024-02-19. Review status: criteria provided, single submitter. Criteria: Invitae Variant Classification Sherloc (09022015). Collection method: clinical testing. Allele origin: germline.
Comment: This sequence change replaces threonine, which is neutral and polar, with serine, which is neutral and polar, at codon 884 of the DIS3L2 protein (p.Thr884Ser). This variant is not present in population databases (gnomAD no frequency). This variant has not been reported in the literature in individuals affected with DIS3L2-related conditions. ClinVar contains an entry for this variant (Variation ID: 1987774). Experimental studies and prediction algorithms are not available or were not evaluated, and the functional significance of this variant is currently unknown. In summary, the available evidence is currently insufficient to determine the role of this variant in disease. Therefore, it has been classified as a Variant of Uncertain Significance.

NM_152383.5(DIS3L2):c.2651C>G (p.Thr884Ser)

Gene: DIS3L2 (DIS3 like 3'-5' exoribonuclease 2; plus strand). Cytogenetic location: 2q37.1.
Variant type: single nucleotide variant.
Coding change: c.2651C>G on transcript NM_152383.5 (MANE Select); coding-DNA position 2651, C replaced by G.
Protein change: p.Thr884Ser; replaces threonine 884 with serine.
Molecular consequence: missense variant. On other transcripts: non-coding transcript variant (2), intron variant (1).
Genome position (GRCh38, 1-based): chr2:232,336,623, C>G. VCF-style: chr2-232336623-C-G. GRCh37 (hg19) VCF-style: chr2-233201333-C-G.
Other names: c.1582-6722C>G (NM_001257281.2); short protein forms T884S.
Identifiers: ClinVar variation 1987774 (VCV001987774.4), dbSNP rs2469455883, ClinGen allele CA350979152.